The following is an entry in ClinVar:

NM_000891.3(KCNJ2):c.29G>A (p.Ser10Asn)

Gene: KCNJ2 (potassium inwardly rectifying channel subfamily J member 2; plus strand). Cytogenetic location: 17q24.3.
Variant type: single nucleotide variant.
Coding change: c.29G>A on transcript NM_000891.3 (MANE Select); coding-DNA position 29, G replaced by A.
Protein change: p.Ser10Asn; replaces serine 10 with asparagine.
Molecular consequence: missense variant.
Genome position (GRCh38, 1-based): chr17:70,175,068, G>A. VCF-style: chr17-70175068-G-A. GRCh37 (hg19) VCF-style: chr17-68171209-G-A.
Other names: short protein forms S10N.
Identifiers: ClinVar variation 3761851 (VCV003761851.2).

ClinVar aggregate classification (germline): Uncertain significance (1 of 4 stars; one submission).

Conditions:
Andersen Tawil syndrome (LQT7). Also called: ANDERSEN CARDIODYSRHYTHMIC PERIODIC PARALYSIS; LONG QT SYNDROME 7; PERIODIC PARALYSIS, POTASSIUM-SENSITIVE CARDIODYSRHYTHMIC TYPE; Potassium-sensitive periodic paralysis, ventricular ectopy, and dysmorphic features; Andersen Syndrome. Identifiers: Orphanet 37553, MedGen C1563715, MONDO:0008222, OMIM 170390.
Short QT syndrome type 3. Identifiers: Orphanet 51083, MedGen C1865018, MONDO:0012314, OMIM 609622.

Submission:

Labcorp Genetics (formerly Invitae), Labcorp
Classification: Uncertain significance for Short QT syndrome type 3; Andersen Tawil syndrome. Last evaluated: 2024-06-04. Review status: criteria provided, single submitter. Criteria: Invitae Variant Classification Sherloc (09022015). Collection method: clinical testing. Allele origin: germline.
Comment: This sequence change replaces serine, which is neutral and polar, with asparagine, which is neutral and polar, at codon 10 of the KCNJ2 protein (p.Ser10Asn). This variant is present in population databases (no rsID available, gnomAD 0.06%). This variant has not been reported in the literature in individuals affected with KCNJ2-related conditions. An algorithm developed to predict the effect of missense changes on protein structure and function (PolyPhen-2) suggests that this variant is likely to be tolerated. In summary, the available evidence is currently insufficient to determine the role of this variant in disease. Therefore, it has been classified as a Variant of Uncertain Significance.